The following is an entry in ClinVar:

ClinVar aggregate classification (germline): Likely benign. Review status: criteria provided, single submitter (1 of 4 stars). 2 submissions from 1 submitter: Likely benign (2). Last evaluated 2018-01-13.

Conditions:
Sialic acid storage disease, severe infantile type (ISSD). Also called: Free sialic acid storage disease, infantile form; N-ACETYLNEURAMINIC ACID STORAGE DISEASE; NANA STORAGE DISEASE; INFANTILE SIALIC ACID STORAGE DISORDER; SIALURIA, INFANTILE FORM; Infantile Sialic Acid Storage Disease. Identifiers: Orphanet 309324, Orphanet 834, MedGen C1096902, MONDO:0010027, OMIM 269920.
Salla disease (SD). Also called: Sialuria, Finnish type; N-acetylneuraminic acid (NANA) storage disease (NSD); Infantile sialic acid storage disorder (ISSD); Less Severe FSASD (Salla Disease). Identifiers: Orphanet 309334, Orphanet 834, MedGen C1096903, MONDO:0011449, OMIM 604369.

Allele frequency attached by ClinVar (database versions not stated): 1000 Genomes Project 30x 0.00047; 1000 Genomes Project 0.00060; gnomAD 0.00067; TOPMed 0.00094.

Submissions (2):

Illumina Laboratory Services, Illumina
Classification: Likely benign for Salla disease. Last evaluated: 2018-01-13. Review status: criteria provided, single submitter. Criteria: ICSL Variant Classification Criteria 13 December 2019. Collection method: clinical testing. Allele origin: germline.
Comment: This variant was observed in the ICSL laboratory as part of a predisposition screen in an ostensibly healthy population. It had not been previously curated by ICSL or reported in the Human Gene Mutation Database (HGMD: prior to June 1st, 2018), and was therefore a candidate for classification through an automated scoring system. Utilizing variant allele frequency, disease prevalence and penetrance estimates, and inheritance mode, an automated score was calculated to assess if this variant is too frequent to cause the disease. Based on the score and internal cut-off values, a variant classified as likely benign is not then subjected to further curation. The score for this variant resulted in a classification of likely benign for this disease.

Illumina Laboratory Services, Illumina
Classification: Likely benign for Sialic acid storage disease, severe infantile type. Last evaluated: 2018-01-13. Review status: criteria provided, single submitter. Criteria: ICSL Variant Classification Criteria 13 December 2019. Collection method: clinical testing. Allele origin: germline.
Comment: the same text as in the submission from Illumina Laboratory Services, Illumina above.

NM_012434.5(SLC17A5):c.*799T>C

Gene: SLC17A5 (solute carrier family 17 member 5; minus strand). Cytogenetic location: 6q13.
Variant type: single nucleotide variant.
Coding change: c.*799T>C on transcript NM_012434.5 (MANE Select); 799 bases downstream of the stop codon, T replaced by C.
Molecular consequence: 3 prime UTR variant.
Genome position (GRCh38, 1-based): chr6:73,594,278, A>G on the plus strand (T>C on the coding strand, the complement: SLC17A5 is on the minus strand). VCF-style: chr6-73594278-A-G. GRCh37 (hg19) VCF-style: chr6-74304001-A-G.
Identifiers: ClinVar variation 357911 (VCV000357911.5), dbSNP rs529408804, ClinGen allele CA10624613.
Genomic context (GRCh38, chr6:73,594,278, plus strand): 5'-CCATGCTGGCCAGGCTGGTCTCGAACTCCTGATCTCATGATTCGCCCACCTCAGCCCCCC[A>G]AAGTGCTGGGATTACAGGCATGAGCCACCGTGCCCGGCCGCTTCGCATTTTTCTTTTGCA-3'